The following is an entry in ClinVar:

ClinVar aggregate classification (germline): Pathogenic (1 of 4 stars; one submission).

Conditions:
Developmental and epileptic encephalopathy. Identifiers: MedGen C5779964, MONDO:0100620.

Submission:

Labcorp Genetics (formerly Invitae), Labcorp
Classification: Pathogenic for Early-infantile DEE. Last evaluated: 2021-05-23. Review status: criteria provided, single submitter. Criteria: Invitae Variant Classification Sherloc (09022015). Collection method: clinical testing. Allele origin: germline.
Comment: For these reasons, this variant has been classified as Pathogenic. The region of the SCN1A gene that includes exon(s) 24 has been determined to be clinically significant (PMID: 18930999). Therefore, deletions that encompass that region are likely to disrupt protein function and cause disease. This variant has not been reported in the literature in individuals with SCN1A-related conditions. This variant is a gross deletion of the genomic region encompassing exon(s) 22-24 of the SCN1A gene. This variant would be expected to be in-frame, preserving the integrity of the reading frame.

Literature cited by the submitters: PubMed 18930999.

NC_000002.11:g.(?_166852503)_(166856306_?)del

Gene: SCN1A (sodium voltage-gated channel alpha subunit 1; minus strand). Cytogenetic location: 2q24.3.
Variant type: Deletion.
Identifiers: ClinVar variation 1455371 (VCV001455371.5).